The following is an entry in ClinVar:

ClinVar aggregate classification (germline): Pathogenic. Review status: criteria provided, multiple submitters, no conflicts (2 of 4 stars). 2 submissions from 2 submitters: Pathogenic (2). Last evaluated 2020-02-24.

Conditions:
Hereditary cancer-predisposing syndrome. Also called: Tumor predisposition; Hereditary Cancer Syndrome; Neoplastic Syndromes, Hereditary; Hereditary neoplastic syndrome. Identifiers: Orphanet 140162, MedGen C0027672, MeSH D009386, MONDO:0015356.
Cardiovascular phenotype. Identifiers: MedGen CN230736.

Submissions (2):

Ambry Genetics
Classification: Pathogenic for Cardiovascular phenotype; Hereditary cancer-predisposing syndrome. Last evaluated: 2020-02-24. Review status: criteria provided, single submitter. Criteria: Ambry Variant Classification Scheme 2023. Collection method: clinical testing. Allele origin: germline.
Comment: The p.C714* pathogenic mutation (also known as c.2142T>A), located in coding exon 18 of the NF1 gene, results from a T to A substitution at nucleotide position 2142. This changes the amino acid from a cysteine to a stop codon within coding exon 18. This alteration is expected to result in loss of function by premature protein truncation or nonsense-mediated mRNA decay. As such, this alteration is interpreted as a disease-causing mutation.

GeneDx
Classification: Pathogenic. Last evaluated: 2018-10-08. Review status: criteria provided, single submitter. Criteria: GeneDx Variant Classification (06012015). Collection method: clinical testing. Allele origin: germline. Affected: yes.
Comment: The C714X variant has not been published as a pathogenic variant, nor has it been reported as abenign variant to our knowledge. The C714X variant is predicted to cause loss of normal proteinfunction either through protein truncation or nonsense-mediated mRNA decay. The C714X variant isnot observed in large population cohorts (Lek et al., 2016). In summary, based on the currentlyavailable information, we consider this a pathogenic variant.

NM_001042492.3(NF1):c.2142T>A (p.Cys714Ter)

Gene: NF1 (neurofibromin 1; plus strand). Cytogenetic location: 17q11.2.
Variant type: single nucleotide variant.
Coding change: c.2142T>A on transcript NM_001042492.3 (MANE Select); coding-DNA position 2142, T replaced by A.
Protein change: p.Cys714Ter; replaces cysteine 714 with a stop codon.
Molecular consequence: nonsense.
Genome position (GRCh38, 1-based): chr17:31,226,575, T>A. VCF-style: chr17-31226575-T-A. GRCh37 (hg19) VCF-style: chr17-29553593-T-A.
Other names: c.2142T>A, p.Cys714Ter (NM_000267.4); short protein forms C714*.
Identifiers: ClinVar variation 620413 (VCV000620413.3), dbSNP rs141382637, ClinGen allele CA398982348.